The following is an entry in ClinVar:

NM_201384.3(PLEC):c.3476T>C (p.Val1159Ala)

Gene: PLEC (plectin; minus strand). Cytogenetic location: 8q24.3.
Variant type: single nucleotide variant.
Coding change: c.3476T>C on transcript NM_201384.3 (MANE Select); coding-DNA position 3476, T replaced by C.
Protein change: p.Val1159Ala; replaces valine 1159 with alanine.
Molecular consequence: missense variant.
Genome position (GRCh38, 1-based): chr8:143,927,690, A>G on the plus strand (T>C on the coding strand, the complement: PLEC is on the minus strand). VCF-style: chr8-143927690-A-G. GRCh37 (hg19) VCF-style: chr8-145001858-A-G.
Other names: c.3557T>C, p.Val1186Ala (NM_000445.5, NM_001410941.1); c.3434T>C, p.Val1145Ala (NM_201378.4); c.3410T>C, p.Val1137Ala (NM_201379.3); c.3887T>C, p.Val1296Ala (NM_201380.4); c.3380T>C, p.Val1127Ala (NM_201381.3); c.3476T>C, p.Val1159Ala (NM_201382.4); c.3488T>C, p.Val1163Ala (NM_201383.3); short protein forms V1145A, V1296A, V1127A, V1186A, V1137A, V1159A, V1163A.
Identifiers: ClinVar variation 2946038 (VCV002946038.3), dbSNP rs782604017, ClinGen allele CA4927050.
Genomic context (GRCh38, chr8:143,927,690, plus strand): 5'-TCCCGCCAGCGCTCCACCTCCACGTCCCGCTCCCCGTGCCGCTGCTGCAGTCGCTCCCCC[A>G]CCTCCTGTGCCCCCCGCAGCTCATCCCGCAGGGCGTCGAACGTGGGCTGCTGTGCCTCGG-3'
Protein context (NP_958786.1, residues 1149-1169): LRDELRGAQE[Val1159Ala]GERLQQRHGE

ClinVar aggregate classification (germline): Uncertain significance (1 of 4 stars; one submission).

Conditions:
Epidermolysis bullosa simplex with nail dystrophy (EBS5D). Identifiers: MedGen C4225309, MONDO:0014661, OMIM 616487.
Epidermolysis bullosa simplex, Ogna type (EBS5A). Also called: Pidermolysis bullosa simplex 5A, Ogna type; EPIDERMOLYSIS BULLOSA SIMPLEX 5A, OGNA TYPE. Identifiers: Orphanet 79401, MedGen C0432317, MONDO:0007555, OMIM 131950.
Autosomal recessive limb-girdle muscular dystrophy type 2Q (LGMDR17). Also called: MUSCULAR DYSTROPHY, LIMB-GIRDLE, AUTOSOMAL RECESSIVE 17. Identifiers: Orphanet 254361, MedGen C3150989, MONDO:0013390, OMIM 613723.
Epidermolysis bullosa simplex 5B, with muscular dystrophy (EBS5B). Also called: EPIDERMOLYSIS BULLOSA SIMPLEX AND LIMB-GIRDLE MUSCULAR DYSTROPHY; Epidermolysis bullosa simplex with muscular dystrophy. Identifiers: Orphanet 257, MedGen C2931072, MONDO:0009181, OMIM 226670.
Epidermolysis bullosa simplex 5C, with pyloric atresia (EBS5C). Also called: PLEC-Related Epidermolysis Bullosa with Pyloric Atresia; Epidermolysis bullosa simplex with pyloric atresia; PLEC1-Related Epidermolysis Bullosa with Pyloric Atresia. Identifiers: Orphanet 158684, MedGen C2677349, MONDO:0012807, OMIM 612138.

Allele frequency attached by ClinVar (database versions not stated): TOPMed 0.00001; ExAC 0.00002.

Submission:

Labcorp Genetics (formerly Invitae), Labcorp
Classification: Uncertain significance for Autosomal recessive limb-girdle muscular dystrophy type 2Q; Epidermolysis bullosa simplex, Ogna type; Epidermolysis bullosa simplex with nail dystrophy; Epidermolysis bullosa simplex 5C, with pyloric atresia; Epidermolysis bullosa simplex 5B, with muscular dystrophy. Last evaluated: 2024-01-10. Review status: criteria provided, single submitter. Criteria: Invitae Variant Classification Sherloc (09022015). Collection method: clinical testing. Allele origin: germline.
Comment: This sequence change replaces valine, which is neutral and non-polar, with alanine, which is neutral and non-polar, at codon 1186 of the PLEC protein (p.Val1186Ala). The frequency data for this variant in the population databases is considered unreliable, as metrics indicate poor data quality at this position in the gnomAD database. This variant has not been reported in the literature in individuals affected with PLEC-related conditions. Advanced modeling of protein sequence and biophysical properties (such as structural, functional, and spatial information, amino acid conservation, physicochemical variation, residue mobility, and thermodynamic stability) performed at Invitae indicates that this missense variant is not expected to disrupt PLEC protein function with a negative predictive value of 80%. In summary, the available evidence is currently insufficient to determine the role of this variant in disease. Therefore, it has been classified as a Variant of Uncertain Significance.